The following is an entry in ClinVar:

ClinVar aggregate classification (germline): Uncertain significance (1 of 4 stars; one submission).

Submission:

Ambry Genetics
Classification: Uncertain significance. Last evaluated: 2022-01-07. Review status: criteria provided, single submitter. Criteria: Ambry Variant Classification Scheme 2023. Collection method: clinical testing. Allele origin: germline.
Comment: The p.A1634D variant (also known as c.4901C>A), located in coding exon 37 of the PRKDC gene, results from a C to A substitution at nucleotide position 4901. The alanine at codon 1634 is replaced by aspartic acid, an amino acid with dissimilar properties. This amino acid position is conserved. Since supporting evidence is limited at this time, the clinical significance of this alteration remains unclear.

NM_006904.7(PRKDC):c.4901C>A (p.Ala1634Asp)

Gene: PRKDC (protein kinase, DNA-activated, catalytic subunit; minus strand). Cytogenetic location: 8q11.21.
Variant type: single nucleotide variant.
Coding change: c.4901C>A on transcript NM_006904.7 (MANE Select); coding-DNA position 4901, C replaced by A.
Protein change: p.Ala1634Asp; replaces alanine 1634 with aspartic acid.
Molecular consequence: missense variant.
Genome position (GRCh38, 1-based): chr8:47,881,973, G>T on the plus strand (C>A on the coding strand, the complement: PRKDC is on the minus strand). VCF-style: chr8-47881973-G-T. GRCh37 (hg19) VCF-style: chr8-48794534-G-T.
Other names: c.4901C>A, p.Ala1634Asp (NM_001081640.2); short protein forms A1634D.
Identifiers: ClinVar variation 1743992 (VCV001743992.2), dbSNP rs2551872695, ClinGen allele CA371141757.